The following is an entry in ClinVar:

ClinVar aggregate classification (germline): Benign/Likely benign. Review status: criteria provided, multiple submitters, no conflicts (2 of 4 stars). 5 submissions from 5 submitters: Benign (2); Likely benign (2). 1 of the submissions does not count toward it. Last evaluated 2026-01-21.

Conditions:
Paroxysmal nonkinesigenic dyskinesia 1 (PNKD1). Also called: PxMD-PNKD; DYSTONIA 8; Familial Paroxysmal Nonkinesigenic Dyskinesia; PAROXYSMAL DYSTONIC CHOREOATHETOSIS; MOUNT-REBACK SYNDROME; Nonkinesigenic choreoathetosis. Identifiers: Orphanet 98810, MedGen C4551506, MONDO:0700089, OMIM 118800, MONDO:0007326.
Paroxysmal nonkinesigenic dyskinesia. Also called: Paroxysmal non-kinesigenic dyskinesia. Identifiers: Orphanet 98810, MedGen C1869117, MONDO:0700088.
PNKD-related disorder. Also called: PNKD-related condition.

Allele frequency attached by ClinVar (database versions not stated): ESP Exome Variant Server 0.00123; TOPMed 0.00128; gnomAD 0.00134 and 0.00140; gnomAD exomes 0.00139 and 0.00151; ExAC 0.00147.
gnomAD v4.1: 2,374 of 1,612,962 alleles (0.15%); highest among the groups gnomAD compares: Admixed American, 0.18%; 4 homozygotes.

Submissions (5):

Labcorp Genetics (formerly Invitae), Labcorp
Classification: Likely benign for Paroxysmal nonkinesigenic dyskinesia. Last evaluated: 2026-01-21. Review status: criteria provided, single submitter. Criteria: Invitae Variant Classification Sherloc (09022015). Collection method: clinical testing. Allele origin: germline.

Blueprint Genetics
Classification: Likely benign. Last evaluated: 2024-10-22. Review status: criteria provided, single submitter. Criteria: ACMG Guidelines, 2015. Collection method: clinical testing. Allele origin: germline.

CeGaT Center for Human Genetics Tuebingen
Classification: Benign. Last evaluated: 2022-05-01. Review status: criteria provided, single submitter. Criteria: CeGaT Center For Human Genetics Tuebingen Variant Classification Criteria Version 2. Collection method: clinical testing. Allele origin: germline. Affected: yes. Observed: 1 variant allele.
Comment: PNKD: BS1, BS2

Illumina Laboratory Services, Illumina
Classification: Benign for Paroxysmal nonkinesigenic dyskinesia 1. Last evaluated: 2018-01-13. Review status: criteria provided, single submitter. Criteria: ICSL Variant Classification Criteria 13 December 2019. Collection method: clinical testing. Allele origin: germline.
Comment: This variant was observed in the ICSL laboratory as part of a predisposition screen in an ostensibly healthy population. It had not been previously curated by ICSL or reported in the Human Gene Mutation Database (HGMD: prior to June 1st, 2018), and was therefore a candidate for classification through an automated scoring system. Utilizing variant allele frequency, disease prevalence and penetrance estimates, and inheritance mode, an automated score was calculated to assess if this variant is too frequent to cause the disease. Based on the score and internal cut-off values, a variant classified as benign is not then subjected to further curation. The score for this variant resulted in a classification of benign for this disease.

PreventionGenetics, part of Exact Sciences
Classification: Likely benign for PNKD-related condition. Last evaluated: 2022-02-07. Review status: no assertion criteria provided. Collection method: clinical testing. Allele origin: germline. Not counted in ClinVar's aggregate classification.
Comment: This variant is classified as likely benign based on ACMG/AMP sequence variant interpretation guidelines (Richards et al. 2015 PMID: 25741868, with internal and published modifications).

NM_015488.5(PNKD):c.254G>A (p.Arg85His)

Genes: CATIP-AS2 (CATIP antisense RNA 2; minus strand), PNKD (PNKD metallo-beta-lactamase domain containing; plus strand). Cytogenetic location: 2q35.
Variant type: single nucleotide variant.
Coding change: c.254G>A on transcript NM_015488.5 (MANE Select); coding-DNA position 254, G replaced by A.
Protein change: p.Arg85His; replaces arginine 85 with histidine.
Molecular consequence: missense variant.
Genome position (GRCh38, 1-based): chr2:218,339,800, G>A. VCF-style: chr2-218339800-G-A. GRCh37 (hg19) VCF-style: chr2-219204523-G-A.
Other names: c.182G>A, p.Arg61His (NM_022572.5); short protein forms R85H, R61H.
Identifiers: ClinVar variation 334309 (VCV000334309.41), dbSNP rs150402000, ClinGen allele CA2103870.